The following is an entry in ClinVar:

NM_002880.4(RAF1):c.1201C>T (p.Arg401Trp)

Gene: RAF1 (Raf-1 proto-oncogene, serine/threonine kinase; minus strand). Cytogenetic location: 3p25.2.
Variant type: single nucleotide variant.
Coding change: c.1201C>T on transcript NM_002880.4 (MANE Select); coding-DNA position 1201, C replaced by T.
Protein change: p.Arg401Trp; replaces arginine 401 with tryptophan.
Molecular consequence: missense variant. On other transcripts: non-coding transcript variant (3).
Genome position (GRCh38, 1-based): chr3:12,590,967, G>A on the plus strand (C>T on the coding strand, the complement: RAF1 is on the minus strand). VCF-style: chr3-12590967-G-A. GRCh37 (hg19) VCF-style: chr3-12632466-G-A.
Other names: c.1261C>T, p.Arg421Trp (NM_001354689.3); c.1201C>T, p.Arg401Trp (NM_001354690.3); c.958C>T, p.Arg320Trp (NM_001354691.3, NM_001354692.3); c.1102C>T, p.Arg368Trp (NM_001354693.3); c.1018C>T, p.Arg340Trp (NM_001354694.3); c.859C>T, p.Arg287Trp (NM_001354695.3); short protein forms R287W, R320W, R340W, R368W, R401W, R421W.
Identifiers: ClinVar variation 1805073 (VCV001805073.5), dbSNP rs2125343630, ClinGen allele CA351502704.

ClinVar aggregate classification (germline): Uncertain significance. Review status: criteria provided, multiple submitters, no conflicts (2 of 4 stars). 3 submissions from 3 submitters: Uncertain significance (3). Last evaluated 2024-02-15.

Conditions:
Cardiovascular phenotype. Identifiers: MedGen CN230736.
Noonan syndrome 5 (NS5). Also called: RAF1-Related Noonan Syndrome. Identifiers: Orphanet 648, MedGen C1969057, MONDO:0012690, OMIM 611553. Disease mechanism: gain of function.
RASopathy. Also called: Noonan spectrum disorder; rasopathies. Identifiers: Orphanet 536391, MedGen C5555857, MONDO:0021060.

Allele frequency attached by ClinVar (database versions not stated): gnomAD exomes below 0.00001.
gnomAD v4.1: 1 of 1,608,944 alleles (0.000062%); highest among the groups gnomAD compares: Non-Finnish European, 0.000085%; no homozygotes.

Submissions (3):

Ambry Genetics
Classification: Uncertain significance for Cardiovascular phenotype. Last evaluated: 2024-02-15. Review status: criteria provided, single submitter. Criteria: Ambry Variant Classification Scheme 2023. Collection method: clinical testing. Allele origin: germline.
Comment: The p.R401W variant (also known as c.1201C>T), located in coding exon 11 of the RAF1 gene, results from a C to T substitution at nucleotide position 1201. The arginine at codon 401 is replaced by tryptophan, an amino acid with dissimilar properties. This amino acid position is highly conserved in available vertebrate species. In addition, this alteration is predicted to be deleterious by in silico analysis. Based on the available evidence, the clinical significance of this alteration remains unclear.

Labcorp Genetics (formerly Invitae), Labcorp
Classification: Uncertain significance for RASopathy. Last evaluated: 2023-09-25. Review status: criteria provided, single submitter. Criteria: Invitae Variant Classification Sherloc (09022015). Collection method: clinical testing. Allele origin: germline.
Comment: This sequence change replaces arginine, which is basic and polar, with tryptophan, which is neutral and slightly polar, at codon 401 of the RAF1 protein (p.Arg401Trp). This variant is not present in population databases (gnomAD no frequency). This variant has not been reported in the literature in individuals affected with RAF1-related conditions. ClinVar contains an entry for this variant (Variation ID: 1805073). Advanced modeling of protein sequence and biophysical properties (such as structural, functional, and spatial information, amino acid conservation, physicochemical variation, residue mobility, and thermodynamic stability) performed at Invitae indicates that this missense variant is expected to disrupt RAF1 protein function. In summary, the available evidence is currently insufficient to determine the role of this variant in disease. Therefore, it has been classified as a Variant of Uncertain Significance.

Victorian Clinical Genetics Services, Murdoch Childrens Research Institute
Classification: Uncertain significance for Noonan syndrome 5. Last evaluated: 2022-02-02. Review status: criteria provided, single submitter. Criteria: ACMG Guidelines, 2015. Collection method: clinical testing. Allele origin: germline. Inheritance: Autosomal dominant inheritance. Affected: yes.
Comment: Based on the classification scheme VCGS_Germline_v1.3.4, this variant is classified as VUS-3A. Following criteria are met: 0103 - Loss of function and gain of function are known mechanisms of disease in this gene. Gain of function is associated with Noonan (MIM#611553) and LEOPARD syndromes (MIM#2611554), while loss of function is associated with non-HCM-associated variants (PMID: 17603483, 17603482). (I) 0107 - This gene is associated with autosomal dominant disease. (I) 0200 - Variant is predicted to result in a missense amino acid change from arginine to tryptophan. (I) 0251 - This variant is heterozygous. (I) 0301 - Variant is absent from gnomAD (both v2 and v3). (SP) 0501 - Missense variant consistently predicted to be damaging by multiple in silico tools or highly conserved with a major amino acid change. (SP) 0601 - Variant is located in the well-established functional dimer interface of protein kinase domain (NCBI, PMID: 32269299). (SP) 0705 - No comparable missense variants have previous evidence for pathogenicity. (I) 0807 - This variant has no previous evidence of pathogenicity. (I) 0905 - No published segregation evidence has been identified for this variant. (I) 1007 - No published functional evidence has been identified for this variant. (I) 1208 - Inheritance information for this variant is not currently available in this individual. (I) Legend: (SP) - Supporting pathogenic, (I) - Information, (SB) - Supporting benign

Literature cited by the submitters: PubMed 17603482 (cited by Victorian Clinical Genetics Services, Murdoch Childrens Research Institute); PubMed 17603483 (cited by Victorian Clinical Genetics Services, Murdoch Childrens Research Institute); PubMed 32269299 (cited by Victorian Clinical Genetics Services, Murdoch Childrens Research Institute).